The following is an entry in ClinVar:

ClinVar aggregate classification (germline): Pathogenic (1 of 4 stars; one submission).

Conditions:
Charcot-Marie-Tooth disease type 2. Also called: Charcot-Marie-Tooth type 2. Identifiers: Orphanet 64746, MedGen C0270914, MONDO:0018993.

Submission:

Labcorp Genetics (formerly Invitae), Labcorp
Classification: Pathogenic for Charcot-Marie-Tooth disease type 2. Last evaluated: 2024-10-29. Review status: criteria provided, single submitter. Criteria: Invitae Variant Classification Sherloc (09022015). Collection method: clinical testing. Allele origin: germline.
Comment: This sequence change replaces leucine, which is neutral and non-polar, with phenylalanine, which is neutral and non-polar, at codon 530 of the LMNA protein (p.Leu530Phe). Information on the frequency of this variant in the gnomAD database is not available, as this variant may be reported differently in the database. A different variant (c.1588C>T) giving rise to the same protein effect has been determined to be pathogenic (PMID: 27461183; internal data). This suggests that this variant is also likely to be causative of disease. ClinVar contains an entry for this variant (Variation ID: 581796). Experimental studies and prediction algorithms are not available or were not evaluated, and the functional significance of this variant is currently unknown. This variant disrupts the p.Leu530 amino acid residue in LMNA. Other variant(s) that disrupt this residue have been determined to be pathogenic (PMID: 11792810, 23427149, 27034135, 27673727). This suggests that this residue is clinically significant, and that variants that disrupt this residue are likely to be disease-causing. For these reasons, this variant has been classified as Pathogenic.

Literature cited by the submitters: PubMed 27461183; PubMed 11792810; PubMed 23427149; PubMed 27034135; PubMed 27673727.

NM_170707.4(LMNA):c.1587_1588delinsCT (p.Leu530Phe)

Gene: LMNA (lamin A/C; plus strand). Cytogenetic location: 1q22.
Variant type: Indel.
Coding change: c.1587_1588delinsCT on transcript NM_170707.4 (MANE Select); coding-DNA positions 1587 to 1588, TC replaced by CT.
Protein change: p.Leu530Phe; replaces leucine 530 with phenylalanine.
Molecular consequence: missense variant.
Genome position (GRCh38, 1-based): chr1:156,137,211-156,137,212, TC replaced by CT. VCF-style: chr1-156137211-TC-CT. GRCh37 (hg19) VCF-style: chr1-156107002-TC-CT.
Other names: c.1251_1252delinsCT, p.Leu418Phe (NM_001257374.3); c.1344_1345delinsCT, p.Leu449Phe (NM_001282624.2); c.1587_1588delinsCT, p.Leu530Phe (NM_001282625.2, NM_001282626.2, NM_005572.4 and 1 more transcripts); short protein forms L449F, L530F, L418F.
Identifiers: ClinVar variation 581796 (VCV000581796.8), dbSNP rs1558133435, ClinGen allele CA891842720.